The following is an entry in ClinVar:

ClinVar aggregate classification (germline): Uncertain significance. Review status: criteria provided, multiple submitters, no conflicts (2 of 4 stars). 2 submissions from 2 submitters: Uncertain significance (2). Last evaluated 2025-04-17.

Submissions (3):

Labcorp Genetics (formerly Invitae), Labcorp
Classification: Uncertain significance. Last evaluated: 2025-04-17. Review status: criteria provided, single submitter. Criteria: Invitae Variant Classification Sherloc (09022015). Collection method: clinical testing. Allele origin: germline.
Comment: This sequence change replaces serine, which is neutral and polar, with glycine, which is neutral and non-polar, at codon 408 of the RFWD3 protein (p.Ser408Gly). This variant is not present in population databases (gnomAD no frequency). This variant has not been reported in the literature in individuals affected with RFWD3-related conditions. ClinVar contains an entry for this variant (Variation ID: 3153440). An algorithm developed to predict the effect of missense changes on protein structure and function outputs the following: PolyPhen-2: "Benign". The glycine amino acid residue is found in multiple mammalian species, which suggests that this missense change does not adversely affect protein function. In summary, the available evidence is currently insufficient to determine the role of this variant in disease. Therefore, it has been classified as a Variant of Uncertain Significance.

Ambry Genetics
Classification: Uncertain significance. Last evaluated: 2024-02-14. Review status: criteria provided, single submitter. Criteria: Ambry Variant Classification Scheme 2023. Collection method: clinical testing. Allele origin: germline.

Dr. Peter K. Rogan Lab, Western University
No classification provided (evidence only). Condition: Malignant tumor of esophagus. Review status: no classification provided. Collection method: in vitro. Allele origin: not applicable. Functional consequence: skipped exon. Not counted in ClinVar's aggregate classification.

NM_018124.4(RFWD3):c.1222A>G (p.Ser408Gly)

Gene: RFWD3 (ring finger and WD repeat domain 3; minus strand). Cytogenetic location: 16q23.1.
Variant type: single nucleotide variant.
Coding change: c.1222A>G on transcript NM_018124.4 (MANE Select); coding-DNA position 1222, A replaced by G.
Protein change: p.Ser408Gly; replaces serine 408 with glycine.
Molecular consequence: missense variant.
Genome position (GRCh38, 1-based): chr16:74,636,550, T>C on the plus strand (A>G on the coding strand, the complement: RFWD3 is on the minus strand). VCF-style: chr16-74636550-T-C. GRCh37 (hg19) VCF-style: chr16-74670448-T-C.
Other names: c.1222A>G, p.Ser408Gly (NM_001370534.1, NM_001370535.1, NM_001370536.1); c.388A>G, p.Ser130Gly (NM_001370537.1, NM_001370539.1, NM_001370540.1 and 3 more transcripts); short protein forms S130G, S408G.
Identifiers: ClinVar variation 3153440 (VCV003153440.4), dbSNP rs1959201366, ClinGen allele CA396762182.